The following is an entry in ClinVar:

NM_000245.4(MET):c.654G>T (p.Arg218Ser)

Gene: MET (MET proto-oncogene, receptor tyrosine kinase; plus strand). Cytogenetic location: 7q31.2.
Variant type: single nucleotide variant.
Coding change: c.654G>T on transcript NM_000245.4 (MANE Select); coding-DNA position 654, G replaced by T.
Protein change: p.Arg218Ser; replaces arginine 218 with serine.
Molecular consequence: missense variant. On other transcripts: intron variant (1).
Genome position (GRCh38, 1-based): chr7:116,699,738, G>T. VCF-style: chr7-116699738-G-T. GRCh37 (hg19) VCF-style: chr7-116339792-G-T.
Other names: c.654G>T (NM_001127500.2); c.654G>T, p.Arg218Ser (NM_001127500.3, NM_001324401.3); c.-91+27161G>T (NM_001324402.2); short protein forms R218S.
Identifiers: ClinVar variation 485746 (VCV000485746.19), dbSNP rs35284565, ClinGen allele CA4448014.

ClinVar aggregate classification (germline): Conflicting classifications of pathogenicity. Review status: criteria provided, conflicting classifications (1 of 4 stars). 7 submissions from 7 submitters: Uncertain significance (6); Likely benign (1). Last evaluated 2026-04-27.

Conditions:
MET-related disorder. Also called: MET-related condition.
Renal cell carcinoma. Identifiers: Orphanet 217071, MedGen C0007134, MeSH D002292, MONDO:0005086, HP:0005584.
Autosomal recessive nonsyndromic hearing loss 97. Also called: Deafness, autosomal recessive 97. Identifiers: Orphanet 90636, MedGen C4084709, MONDO:0014739, OMIM 616705.
Hereditary cancer-predisposing syndrome. Also called: Neoplastic Syndromes, Hereditary; Hereditary Cancer Syndrome; Tumor predisposition; Hereditary neoplastic syndrome. Identifiers: Orphanet 140162, MedGen C0027672, MeSH D009386, MONDO:0015356.

Allele frequency attached by ClinVar (database versions not stated): TOPMed 0.00002; 1000 Genomes Project 30x 0.00031; 1000 Genomes Project 0.00040.
gnomAD v4.1: 15 of 1,614,088 alleles (0.00093%); highest among the groups gnomAD compares: Admixed American, 0.018%; no homozygotes.

Submissions (7):

PreventionGenetics, part of Exact Sciences
Classification: Uncertain significance for MET-related condition. Last evaluated: 2026-04-27. Review status: criteria provided, single submitter. Criteria: ACMG Guidelines, 2015. Collection method: clinical testing. Allele origin: germline.
Comment: The MET c.654G>T variant is predicted to result in the amino acid substitution p.Arg218Ser. To our knowledge, this variant has not been reported in the literature. This variant is reported in 0.0058% of alleles in individuals of Latino descent in gnomAD and has conflicting interpretations regarding its pathogenicity in ClinVar, ranging from likely benign to uncertain (Variation ID: 485746). At this time, the clinical significance of this variant is uncertain due to the absence of conclusive functional and genetic evidence.

Labcorp Genetics (formerly Invitae), Labcorp
Classification: Uncertain significance for Renal cell carcinoma. Last evaluated: 2026-02-03. Review status: criteria provided, single submitter. Criteria: Invitae Variant Classification Sherloc (09022015). Collection method: clinical testing. Allele origin: germline.
Comment: This sequence change replaces arginine, which is basic and polar, with serine, which is neutral and polar, at codon 218 of the MET protein (p.Arg218Ser). This variant is present in population databases (rs35284565, gnomAD 0.006%). This variant has not been reported in the literature in individuals affected with MET-related conditions. ClinVar contains an entry for this variant (Variation ID: 485746). Invitae Evidence Modeling of protein sequence and biophysical properties (such as structural, functional, and spatial information, amino acid conservation, physicochemical variation, residue mobility, and thermodynamic stability) has been performed for this missense variant. However, the output from this modeling did not meet the statistical confidence thresholds required to predict the impact of this variant on MET protein function. In summary, the available evidence is currently insufficient to determine the role of this variant in disease. Therefore, it has been classified as a Variant of Uncertain Significance.

Quest Diagnostics Nichols Institute San Juan Capistrano
Classification: Uncertain significance. Last evaluated: 2025-02-15. Review status: criteria provided, single submitter. Criteria: Quest Diagnostics criteria. Collection method: clinical testing. Allele origin: unknown.

Baylor Genetics
Classification: Uncertain significance for Autosomal recessive nonsyndromic hearing loss 97. Last evaluated: 2024-02-16. Review status: criteria provided, single submitter. Criteria: ACMG Guidelines, 2015. Collection method: clinical testing. Allele origin: unknown.

GeneDx
Classification: Uncertain significance. Last evaluated: 2023-10-19. Review status: criteria provided, single submitter. Criteria: GeneDx Variant Classification Process June 2021. Collection method: clinical testing. Allele origin: germline. Affected: yes.
Comment: Not observed at significant frequency in large population cohorts (gnomAD); In silico analysis supports that this missense variant has a deleterious effect on protein structure/function; Has not been previously published as pathogenic or benign to our knowledge

Ambry Genetics
Classification: Likely benign for Hereditary cancer-predisposing syndrome. Last evaluated: 2021-02-02. Review status: criteria provided, single submitter. Criteria: Ambry Variant Classification Scheme 2023. Collection method: clinical testing. Allele origin: germline.

Blueprint Genetics
Classification: Uncertain significance. Last evaluated: 2020-01-17. Review status: criteria provided, single submitter. Criteria: ACMG Guidelines, 2015. Collection method: clinical testing. Allele origin: germline.